The following is an entry in ClinVar:

ClinVar aggregate classification (germline): Uncertain significance (1 of 4 stars; one submission).

Conditions:
Autoimmune lymphoproliferative syndrome type 2A (ALPS2A). Also called: CASP10-Related Autoimmune Lymphoproliferative Syndrome; Autoimmune lymphoproliferative syndrome type 2; AUTOIMMUNE LYMPHOPROLIFERATIVE SYNDROME, TYPE IIA. Identifiers: Orphanet 3261, MedGen C1858968, MONDO:0011383, OMIM 603909.

Allele frequency attached by ClinVar (database versions not stated): TOPMed below 0.00001.
gnomAD v4.1: 2 of 1,612,604 alleles (0.00012%); highest among the groups gnomAD compares: Non-Finnish European, 0.00017%; no homozygotes.

Submission:

Labcorp Genetics (formerly Invitae), Labcorp
Classification: Uncertain significance for Autoimmune lymphoproliferative syndrome type 2A. Last evaluated: 2022-03-19. Review status: criteria provided, single submitter. Criteria: Invitae Variant Classification Sherloc (09022015). Collection method: clinical testing. Allele origin: germline.
Comment: This variant is not present in population databases (gnomAD no frequency). This sequence change replaces leucine, which is neutral and non-polar, with proline, which is neutral and non-polar, at codon 95 of the CASP10 protein (p.Leu95Pro). This variant has not been reported in the literature in individuals affected with CASP10-related conditions. ClinVar contains an entry for this variant (Variation ID: 1052960). Algorithms developed to predict the effect of missense changes on protein structure and function are either unavailable or do not agree on the potential impact of this missense change (SIFT: "Deleterious"; PolyPhen-2: "Probably Damaging"; Align-GVGD: "Class C0"). In summary, the available evidence is currently insufficient to determine the role of this variant in disease. Therefore, it has been classified as a Variant of Uncertain Significance.

NM_032977.4(CASP10):c.284T>C (p.Leu95Pro)

Gene: CASP10 (caspase 10; plus strand). Cytogenetic location: 2q33.1.
Variant type: single nucleotide variant.
Coding change: c.284T>C on transcript NM_032977.4 (MANE Select); coding-DNA position 284, T replaced by C.
Protein change: p.Leu95Pro; replaces leucine 95 with proline.
Molecular consequence: missense variant.
Genome position (GRCh38, 1-based): chr2:201,186,061, T>C. VCF-style: chr2-201186061-T-C. GRCh37 (hg19) VCF-style: chr2-202050784-T-C.
Other names: c.284T>C, p.Leu95Pro (NM_001206524.2, NM_001206542.2, NM_001230.5 and 3 more transcripts); short protein forms L95P.
Identifiers: ClinVar variation 1052960 (VCV001052960.49), dbSNP rs1944405008, ClinGen allele CA350277984.
Genomic context (GRCh38, chr2:201,186,061, plus strand): 5'-ACCCTTTCTTCCTGGCAGAACTCCTCTATATCATACGGCAGAAGAAGCTGCTGCAGCACC[T>C]CAACTGTACCAAAGAGGAAGTGGAGCGACTGCTGCCCACCCGACAAAGGGTTTCTCTGTT-3'
Protein context (NP_116759.2, residues 85-105): IIRQKKLLQH[Leu95Pro]NCTKEEVERL